The following is an entry in ClinVar:

NM_004655.4(AXIN2):c.2331C>T (p.Tyr777=)

Gene: AXIN2 (axin 2; minus strand). Cytogenetic location: 17q24.1.
Variant type: single nucleotide variant.
Coding change: c.2331C>T on transcript NM_004655.4 (MANE Select); coding-DNA position 2331, C replaced by T.
Protein change: p.Tyr777=; no amino-acid change (tyrosine 777 retained).
Molecular consequence: synonymous variant.
Genome position (GRCh38, 1-based): chr17:65,533,986, G>A on the plus strand (C>T on the coding strand, the complement: AXIN2 is on the minus strand). VCF-style: chr17-65533986-G-A. GRCh37 (hg19) VCF-style: chr17-63530104-G-A.
Other names: c.2136C>T, p.Tyr712= (NM_001363813.1).
Identifiers: ClinVar variation 1919789 (VCV001919789.7), dbSNP rs2043866331, ClinGen allele CA501475935.

ClinVar aggregate classification (germline): Benign/Likely benign. Review status: criteria provided, multiple submitters, no conflicts (2 of 4 stars). 3 submissions from 3 submitters: Benign (1); Likely benign (2). Last evaluated 2024-07-10.

Conditions:
Hereditary cancer-predisposing syndrome. Also called: Hereditary Cancer Syndrome; Hereditary neoplastic syndrome; Neoplastic Syndromes, Hereditary; Tumor predisposition. Identifiers: Orphanet 140162, MedGen C0027672, MeSH D009386, MONDO:0015356.
Oligodontia-cancer predisposition syndrome. Also called: TOOTH AGENESIS-COLORECTAL CANCER SYNDROME. Identifiers: Orphanet 300576, MedGen C1837750, MONDO:0012075, OMIM 608615. Disease mechanism: loss of function.

Submissions (3):

Myriad Genetics, Inc.
Classification: Benign for Oligodontia-cancer predisposition syndrome. Last evaluated: 2024-07-10. Review status: criteria provided, single submitter. Criteria: Myriad Autosomal Dominant, Autosomal Recessive and X-Linked Classification Criteria (2023). Collection method: clinical testing. Allele origin: unknown.
Comment: This variant is considered benign. This variant is a silent/synonymous amino acid change and it is not expected to impact splicing.

Ambry Genetics
Classification: Likely benign for Hereditary cancer-predisposing syndrome. Last evaluated: 2024-06-21. Review status: criteria provided, single submitter. Criteria: Ambry Variant Classification Scheme 2023. Collection method: clinical testing. Allele origin: germline.

Labcorp Genetics (formerly Invitae), Labcorp
Classification: Likely benign for Oligodontia-cancer predisposition syndrome. Last evaluated: 2022-09-23. Review status: criteria provided, single submitter. Criteria: Invitae Variant Classification Sherloc (09022015). Collection method: clinical testing. Allele origin: germline.